The following is an entry in ClinVar:

ClinVar aggregate classification (germline): Uncertain significance. Review status: criteria provided, multiple submitters, no conflicts (2 of 4 stars). 2 submissions from 2 submitters: Uncertain significance (2). Last evaluated 2025-04-25.

Conditions:
Dyskeratosis congenita. Identifiers: Orphanet 1775, MedGen C0265965, MONDO:0015780.
Inborn genetic diseases. Identifiers: MedGen C0950123, MeSH D030342.

Allele frequency attached by ClinVar (database versions not stated): gnomAD exomes below 0.00001 and 0.00001; TOPMed below 0.00001.
gnomAD v4.1: 3 of 1,613,000 alleles (0.00019%); highest among the groups gnomAD compares: East Asian, 0.0067%; no homozygotes.

Submissions (2):

Ambry Genetics
Classification: Uncertain significance for Inborn genetic diseases. Last evaluated: 2025-04-25. Review status: criteria provided, single submitter. Criteria: Ambry Variant Classification Scheme 2023. Collection method: clinical testing. Allele origin: germline.

Labcorp Genetics (formerly Invitae), Labcorp
Classification: Uncertain significance for Dyskeratosis congenita. Last evaluated: 2024-09-21. Review status: criteria provided, single submitter. Criteria: Invitae Variant Classification Sherloc (09022015). Collection method: clinical testing. Allele origin: germline.
Comment: This sequence change replaces histidine, which is basic and polar, with asparagine, which is neutral and polar, at codon 407 of the CTC1 protein (p.His407Asn). This variant is present in population databases (no rsID available, gnomAD 0.01%). This variant has not been reported in the literature in individuals affected with CTC1-related conditions. ClinVar contains an entry for this variant (Variation ID: 1422449). Invitae Evidence Modeling of protein sequence and biophysical properties (such as structural, functional, and spatial information, amino acid conservation, physicochemical variation, residue mobility, and thermodynamic stability) indicates that this missense variant is expected to disrupt CTC1 protein function with a positive predictive value of 80%. In summary, the available evidence is currently insufficient to determine the role of this variant in disease. Therefore, it has been classified as a Variant of Uncertain Significance.

NM_025099.6(CTC1):c.1219C>A (p.His407Asn)

Gene: CTC1 (CST telomere replication complex component 1; minus strand). Cytogenetic location: 17p13.1.
Variant type: single nucleotide variant.
Coding change: c.1219C>A on transcript NM_025099.6 (MANE Select); coding-DNA position 1219, C replaced by A.
Protein change: p.His407Asn; replaces histidine 407 with asparagine.
Molecular consequence: missense variant. On other transcripts: non-coding transcript variant (1).
Genome position (GRCh38, 1-based): chr17:8,235,273, G>T on the plus strand (C>A on the coding strand, the complement: CTC1 is on the minus strand). VCF-style: chr17-8235273-G-T. GRCh37 (hg19) VCF-style: chr17-8138591-G-T.
Other names: c.1219C>A (NM_025099.5); short protein forms H407N.
Identifiers: ClinVar variation 1422449 (VCV001422449.8), dbSNP rs1286168861, ClinGen allele CA397985060.